The following is an entry in ClinVar:

ClinVar aggregate classification (germline): Uncertain significance (1 of 4 stars; one submission).

Conditions:
Dilated cardiomyopathy 1D. Identifiers: Orphanet 154, Orphanet 54260, MedGen C1832243, MONDO:0011095, OMIM 601494.
Cardiomyopathy, familial restrictive, 3. Identifiers: Orphanet 75249, MedGen C2676271, MONDO:0012900, OMIM 612422.
Hypertrophic cardiomyopathy 2. Also called: TNNT2-Related Familial Hypertrophic Cardiomyopathy. Identifiers: MedGen C1861864, MONDO:0007266, OMIM 115195.

Submission:

Labcorp Genetics (formerly Invitae), Labcorp
Classification: Uncertain significance for Cardiomyopathy, familial restrictive, 3; Hypertrophic cardiomyopathy 2; Dilated cardiomyopathy 1D. Last evaluated: 2020-10-01. Review status: criteria provided, single submitter. Criteria: Invitae Variant Classification Sherloc (09022015). Collection method: clinical testing. Allele origin: germline.
Comment: In summary, the available evidence is currently insufficient to determine the role of this variant in disease. Therefore, it has been classified as a Variant of Uncertain Significance. The current clinical and genetic evidence is not sufficient to establish whether loss-of-function variants in TNNT2 cause disease. This variant has not been reported in the literature in individuals with TNNT2-related conditions. This variant is a gross deletion of the genomic region encompassing exon(s) 2-9 of the TNNT2 gene, which includes the initiator codon. The 5' end of this event is unknown as it extends beyond the assayed region for this gene and therefore may encompass additional genes. The 3' boundary is likely confined to intron 9 of the TNNT2 gene. This is expected to result in an absent or disrupted protein product.

NC_000001.10:g.(?_201334309)_(201342392_?)del

Gene: TNNT2 (troponin T2, cardiac type; minus strand). Cytogenetic location: 1q32.1.
Variant type: Deletion.
Identifiers: ClinVar variation 1027356 (VCV001027356.5).